The following is an entry in ClinVar:

NM_020822.3(KCNT1):c.2244G>A (p.Glu748=)

Gene: KCNT1 (potassium sodium-activated channel subfamily T member 1; plus strand). Cytogenetic location: 9q34.3.
Variant type: single nucleotide variant.
Coding change: c.2244G>A on transcript NM_020822.3 (MANE Select); coding-DNA position 2244, G replaced by A.
Protein change: p.Glu748=; no amino-acid change (glutamic acid 748 retained).
Molecular consequence: synonymous variant.
Genome position (GRCh38, 1-based): chr9:135,775,310, G>A. VCF-style: chr9-135775310-G-A. GRCh37 (hg19) VCF-style: chr9-138667156-G-A.
Other names: c.2109G>A, p.Glu703= (NM_001272003.2).
Identifiers: ClinVar variation 4782401 (VCV004782401.1).
Genomic context (GRCh38, chr9:135,775,310, plus strand): 5'-CCAGAGCAGACCCAGCCACCTCTGTGCAGCTGTGCTGAGGGCTCCTGTCTCCTGCCCCAG[G>A]TATGTGAAGGGCTACCCTCCCAACTCGCCCTACATCGGCAGCTCCCCAACCCTGTGCCAC-3'
Protein context (NP_065873.2, residues 738-758): PSDDEGLSVV[Glu748=]YVKGYPPNSP

ClinVar aggregate classification (germline): Uncertain significance (1 of 4 stars; one submission).

Conditions:
Autosomal dominant nocturnal frontal lobe epilepsy 5. Also called: CILIARY DYSKINESIA, PRIMARY, 28, WITHOUT SITUS INVERSUS; CILIARY DYSKINESIA, PRIMARY, 28, WITH SITUS INVERSUS; KCNT1-Related Epilepsy; Epilepsy, nocturnal frontal lobe, 5. Identifiers: Orphanet 98784, MedGen C3554306, MONDO:0014002, OMIM 615005.
Developmental and epileptic encephalopathy, 14 (DEE14). Also called: Early infantile epileptic encephalopathy 14. Identifiers: Orphanet 293181, MedGen C3554195, MONDO:0013989, OMIM 614959.

gnomAD v4.1: 8 of 1,604,004 alleles (0.0005%); highest among the groups gnomAD compares: Middle Eastern, 0.066%; no homozygotes.

Submission:

Labcorp Genetics (formerly Invitae), Labcorp
Classification: Uncertain significance for Autosomal dominant nocturnal frontal lobe epilepsy 5; Developmental and epileptic encephalopathy, 14. Last evaluated: 2025-12-27. Review status: criteria provided, single submitter. Criteria: Invitae Variant Classification Sherloc (09022015). Collection method: clinical testing. Allele origin: germline.
Comment: This sequence change affects codon 748 of the KCNT1 mRNA. It is a 'silent' change, meaning that it does not change the encoded amino acid sequence of the KCNT1 protein. It affects a nucleotide within the consensus splice site. This variant is present in population databases (no rsID available, gnomAD 0.0009%). This variant has not been reported in the literature in individuals affected with KCNT1-related conditions. Algorithms developed to predict the effect of sequence changes on RNA splicing suggest that this variant is not likely to affect RNA splicing. In summary, the available evidence is currently insufficient to determine the role of this variant in disease. Therefore, it has been classified as a Variant of Uncertain Significance.